The following is an entry in ClinVar:

ClinVar aggregate classification (germline): Uncertain significance (1 of 4 stars; one submission).

Submission:

Labcorp Genetics (formerly Invitae), Labcorp
Classification: Uncertain significance. Last evaluated: 2025-10-06. Review status: criteria provided, single submitter. Criteria: Invitae Variant Classification Sherloc (09022015). Collection method: clinical testing. Allele origin: germline.
Comment: This sequence change replaces isoleucine, which is neutral and non-polar, with threonine, which is neutral and polar, at codon 288 of the ERCC6L2 protein (p.Ile288Thr). This variant is not present in population databases (gnomAD no frequency). This variant has not been reported in the literature in individuals affected with ERCC6L2-related conditions. ClinVar contains an entry for this variant (Variation ID: 2823282). Experimental studies and prediction algorithms are not available or were not evaluated, and the functional significance of this variant is currently unknown. In summary, the available evidence is currently insufficient to determine the role of this variant in disease. Therefore, it has been classified as a Variant of Uncertain Significance.

NM_020207.7(ERCC6L2):c.830T>C (p.Ile277Thr)

Gene: ERCC6L2 (ERCC excision repair 6 like 2; plus strand). Cytogenetic location: 9q22.32.
Variant type: single nucleotide variant.
Coding change: c.830T>C on transcript NM_020207.7 (MANE Select); coding-DNA position 830, T replaced by C.
Protein change: p.Ile277Thr; replaces isoleucine 277 with threonine.
Molecular consequence: missense variant. On other transcripts: non-coding transcript variant (1).
Genome position (GRCh38, 1-based): chr9:95,915,709, T>C. VCF-style: chr9-95915709-T-C. GRCh37 (hg19) VCF-style: chr9-98677991-T-C.
Other names: c.830T>C, p.Ile277Thr (NM_001010895.4, NM_001375291.1, NM_001375292.1 and 2 more transcripts); short protein forms I277T.
Identifiers: ClinVar variation 2823282 (VCV002823282.3), dbSNP rs2490114904, ClinGen allele CA374122149.